The following is an entry in ClinVar:

NM_000392.5(ABCC2):c.3044A>G (p.Tyr1015Cys)

Gene: ABCC2 (ATP binding cassette subfamily C member 2; plus strand). Cytogenetic location: 10q24.2.
Variant type: single nucleotide variant.
Coding change: c.3044A>G on transcript NM_000392.5 (MANE Select); coding-DNA position 3044, A replaced by G.
Protein change: p.Tyr1015Cys; replaces tyrosine 1015 with cysteine.
Molecular consequence: missense variant.
Genome position (GRCh38, 1-based): chr10:99,831,771, A>G. VCF-style: chr10-99831771-A-G. GRCh37 (hg19) VCF-style: chr10-101591528-A-G.
Other names: short protein forms Y1015C.
Identifiers: ClinVar variation 4802636 (VCV004802636.1).
Genomic context (GRCh38, chr10:99,831,771, plus strand): 5'-GATCCAACCTCTGGCTCAGTGCTTGGACCAGTGACTCTAAAATCTTCAATAGCACCGACT[A>G]TCCAGCATCTCAGAGGGACATGAGAGTTGGAGTCTACGGAGCTCTGGGATTAGCCCAAGG-3'
Protein context (NP_000383.2, residues 1005-1025): SDSKIFNSTD[Tyr1015Cys]PASQRDMRVG

ClinVar aggregate classification (germline): Uncertain significance (1 of 4 stars; one submission).

gnomAD v4.1: 2 of 1,614,220 alleles (0.00012%); highest among the groups gnomAD compares: East Asian, 0.0022%; no homozygotes.

Submission:

Labcorp Genetics (formerly Invitae), Labcorp
Classification: Uncertain significance. Last evaluated: 2025-07-31. Review status: criteria provided, single submitter. Criteria: Invitae Variant Classification Sherloc (09022015). Collection method: clinical testing. Allele origin: germline.
Comment: This sequence change replaces tyrosine, which is neutral and polar, with cysteine, which is neutral and slightly polar, at codon 1015 of the ABCC2 protein (p.Tyr1015Cys). This variant is not present in population databases (gnomAD no frequency). This variant has not been reported in the literature in individuals affected with ABCC2-related conditions. Invitae Evidence Modeling of protein sequence and biophysical properties (such as structural, functional, and spatial information, amino acid conservation, physicochemical variation, residue mobility, and thermodynamic stability) indicates that this missense variant is not expected to disrupt ABCC2 protein function with a negative predictive value of 95%. In summary, the available evidence is currently insufficient to determine the role of this variant in disease. Therefore, it has been classified as a Variant of Uncertain Significance.